The following is an entry in ClinVar:

NM_017807.4(OSGEP):c.472G>A (p.Gly158Ser)

Gene: OSGEP (O-sialoglycoprotein endopeptidase; minus strand). Cytogenetic location: 14q11.2.
Variant type: single nucleotide variant.
Coding change: c.472G>A on transcript NM_017807.4 (MANE Select); coding-DNA position 472, G replaced by A.
Protein change: p.Gly158Ser; replaces glycine 158 with serine.
Molecular consequence: missense variant.
Genome position (GRCh38, 1-based): chr14:20,449,206, C>T on the plus strand (G>A on the coding strand, the complement: OSGEP is on the minus strand). VCF-style: chr14-20449206-C-T. GRCh37 (hg19) VCF-style: chr14-20917365-C-T.
Other names: short protein forms G158S.
Identifiers: ClinVar variation 1313847 (VCV001313847.2), dbSNP rs2139291052, ClinGen allele CA389121751.
Genomic context (GRCh38, chr14:20,449,206, plus strand): 5'-GTTCTCTGCAGCCCCACTGGCTTACCTTCAGCACTCGAGCAAAACGATCCAGACAATTAC[C>T]CACTGCAATATCGATGGTTTCCCCAAAGATACGGTAACGATGTTCCGAGTATGCAATCAC-3'
Protein context (NP_060277.1, residues 148-168): IFGETIDIAV[Gly158Ser]NCLDRFARVL

ClinVar aggregate classification (germline): Uncertain significance (1 of 4 stars; one submission).

Submission:

GeneDx
Classification: Uncertain significance. Last evaluated: 2021-01-06. Review status: criteria provided, single submitter. Criteria: GeneDx Variant Classification Process June 2021. Collection method: clinical testing. Allele origin: germline. Affected: yes.
Comment: Not observed in large population cohorts (Lek et al., 2016); In silico analysis supports that this missense variant has a deleterious effect on protein structure/function; In silico analysis also suggests this variant may impact gene splicing. In the absence of RNA/functional studies, the actual effect of this sequence change is unknown.; Has not been previously published as pathogenic or benign to our knowledge